The following is an entry in ClinVar:

NM_001267550.2(TTN):c.55660C>T (p.Arg18554Ter)

Genes: TTN (titin; minus strand), TTN-AS1 (TTN antisense RNA 1; plus strand). Cytogenetic location: 2q31.2.
Variant type: single nucleotide variant.
Coding change: c.55660C>T on transcript NM_001267550.2 (MANE Select); coding-DNA position 55660, C replaced by T.
Protein change: p.Arg18554Ter; replaces arginine 18554 with a stop codon.
Molecular consequence: nonsense.
Genome position (GRCh38, 1-based): chr2:178,601,337, G>A on the plus strand (C>T on the coding strand, the complement: TTN is on the minus strand). VCF-style: chr2-178601337-G-A. GRCh37 (hg19) VCF-style: chr2-179466064-G-A.
Other names: c.50737C>T, p.Arg16913Ter (NM_001256850.1); c.28465C>T, p.Arg9489Ter (NM_003319.4); c.47956C>T, p.Arg15986Ter (NM_133378.4); c.28840C>T, p.Arg9614Ter (NM_133432.3); c.29041C>T, p.Arg9681Ter (NM_133437.4); c.55660C>T (NM_001267550.1); short protein forms R18554*, R9681*, R9489*, R9614*, R15986*, R16913*.
Identifiers: ClinVar variation 577369 (VCV000577369.26), dbSNP rs1483931960, ClinGen allele CA349538603.
Genomic context (GRCh38, chr2:178,601,337, plus strand): 5'-TGGCAGTGGTCCTCTGAATGGTTTCCACAGGTGGGCCAATACCAAAACGGTTTTCTGCTC[G>A]CACACGGAAGAAATATTGCTGTTCAGAGAGGAGATCAGGCACTACAAATGTGGTGCTTCC-3'

ClinVar aggregate classification (germline): Pathogenic/Likely pathogenic. Review status: criteria provided, multiple submitters, no conflicts (2 of 4 stars). 10 submissions from 10 submitters: Pathogenic (1); Likely pathogenic (8). 1 of the submissions does not count toward it. Last evaluated 2026-08-23.

Conditions:
Autosomal recessive limb-girdle muscular dystrophy type 2J (LGMDR10). Also called: Limb-girdle muscular dystrophy, type 2J; MUSCULAR DYSTROPHY, LIMB-GIRDLE, AUTOSOMAL RECESSIVE 10. Identifiers: Orphanet 140922, MedGen C1837342, MONDO:0012127, OMIM 608807.
Dilated cardiomyopathy 1G (CMD1G). Identifiers: Orphanet 154, MedGen C1858763, MONDO:0011400, OMIM 604145.
TTN-related disorder. Also called: TTN-related disorders; TTN-related condition; TTN-related disease.
Hypertrophic cardiomyopathy 9. Also called: Familial hypertrophic cardiomyopathy 9. Identifiers: MedGen C1861065, MONDO:0013412, OMIM 613765.
Cardiovascular phenotype. Identifiers: MedGen CN230736.
Primary familial dilated cardiomyopathy (FDC). Also called: Familial dilated cardiomyopathy; Hypokinetic dilated cardiomyopathy, familial. Identifiers: Orphanet 217607, MedGen C0340427, MONDO:0016333.
Tibial muscular dystrophy (TMD). Also called: Udd Distal Myopathy – Tibial Muscular Dystrophy; UDD MYOPATHY; Tibial muscular dystrophy, tardive. Identifiers: Orphanet 609, MedGen C1838244, MONDO:0010870, OMIM 600334.
Early-onset myopathy with fatal cardiomyopathy (CMYO5). Also called: Salih Myopathy; CONGENITAL MYOPATHY 5 WITH CARDIOMYOPATHY. Identifiers: Orphanet 289377, MedGen C2673677, MONDO:0012714, OMIM 611705. Disease mechanism: loss of function.
Myopathy, myofibrillar, 9, with early respiratory failure (MFM9). Also called: Hereditary myopathy with early respiratory failure; EDSTROM MYOPATHY; MYOPATHY, PROXIMAL, WITH EARLY RESPIRATORY MUSCLE INVOLVEMENT; Myopathy, distal, with early respiratory failure, autosomal dominant. Identifiers: Orphanet 178464, Orphanet 34521, MedGen C1863599, MONDO:0011362, OMIM 603689.

Allele frequency attached by ClinVar (database versions not stated): gnomAD exomes below 0.00001; gnomAD 0.00001; TOPMed 0.00001.
gnomAD v4.1: 2 of 1,609,600 alleles (0.00012%); highest among the groups gnomAD compares: African/African-American, 0.0013%; no homozygotes.

Submissions (10):

GeneDx
Classification: Likely pathogenic. Last evaluated: 2026-08-23. Review status: criteria provided, single submitter. Criteria: GeneDx Variant Classification Process June 2021. Collection method: clinical testing. Allele origin: germline.
Comment: Nonsense variant predicted to result in protein truncation or nonsense mediated decay in a gene for which loss of function is a known mechanism of disease; Located in the A-band, a region of TTN for which truncating variants are significantly associated with autosomal dominant cardiomyopathy and also with autosomal recessive skeletal myopathies (PMID: 22335739, 32778822); Not observed at significant frequency in large population cohorts (gnomAD); This variant is associated with the following publications: (PMID: 39096151, 24575448, 39844436, 22335739, 32778822)

Ambry Genetics
Classification: Likely pathogenic for Cardiovascular phenotype. Last evaluated: 2026-07-21. Review status: criteria provided, single submitter. Criteria: Ambry Variant Classification Scheme 2023. Collection method: clinical testing. Allele origin: germline.
Comment: The c.28465C>T (p.R9489*) alteration, located in exon 115 (coding exon 114) of the TTN gene, consists of a C to T substitution at nucleotide position 28465. This variant is expected to result in loss of function by premature protein truncation or nonsense-mediated mRNA decay. Based on data from gnomAD, the T allele has an overall frequency of <0.001% (0/246372) total alleles studied. The highest observed frequency was <0.001% (/) of alleles. This exon is located in the A-band region of the N2-B isoform of the titin protein and is constitutively expressed in TTN transcripts (percent spliced in or PSI 100%). While truncating variants in TTN are present in 1-3% of the general population, truncating variants in the A-band are the most common cause of dilated cardiomyopathy (DCM) (Herman, 2012; Roberts, 2015). TTN truncating variants encoded in constitutive exons (PSI >90%) have been found to be significantly associated with DCM regardless of their position in titin (Schafer, 2017; Akhtar, 2020; Massier, 2025). Based on the available evidence, this alteration is classified as likely pathogenic.

Women's Health and Genetics/Laboratory Corporation of America, LabCorp
Classification: Likely pathogenic for Primary familial dilated cardiomyopathy. Last evaluated: 2026-04-20. Review status: criteria provided, single submitter. Criteria: LabCorp Variant Classification Summary - May 2015. Collection method: clinical testing. Allele origin: germline.
Comment: Variant summary: TTN NM_133378:c.47956C>T (p.Arg15986X) (also known as NM_001267550:c.55660C>T (p.Arg18554X)), results in a premature termination codon, predicted to cause a truncation of the encoded protein or absence of the protein due to nonsense mediated decay, which are commonly known mechanisms for disease. Loss of function variants in all TTN bands are strongly associated with a spectrum of autosomal recessive titinopathies when exon expression (proportion spliced in, PSI, 1=complete expression) in skeletal muscle is >0.1 (PMID: 36977548, 39198997, 29598826, 32778822, 29691892, 33449170, 36977548, internal data). In contrast, loss of function variants in all TTN bands are only strongly associated with autosomal dominant TTN-related cardiomyopathies if located in exons constitutively expressed (PSI >0.9) in cardiac muscle, excluding extreme C-terminal exons 359-363 (PMID: 25589632, 31216868, 32964742, 34662387, 27869827, Shetty et al., Nat Cardiovasc Res 2024,, internal data). This variant has a maximum skeletal muscle PSI of 0.961 and a maximum cardiac muscle PSI of 1.000. The frequency data for this variant in gnomAD is considered unreliable, as metrics indicate poor data quality at this position. c.47956C>T has been observed in individuals affected with Dilated Cardiomyopathy (e.g. Beecroft_2020, Akhtar_2020, Massier_2025). These data indicate that the variant is likely associated with disease. To our knowledge, no experimental evidence demonstrating an impact on protein function has been reported. The following publications have been ascertained in the context of this evaluation (PMID: 32964742, 32153140, 39844436). ClinVar contains an entry for this variant (Variation ID: 577369). Based on the evidence outlined above, the variant was classified as likely pathogenic for both autosomal dominant and autosomal recessive TTN-related conditions

Labcorp Genetics (formerly Invitae), Labcorp
Classification: Likely pathogenic for Dilated cardiomyopathy 1G; Autosomal recessive limb-girdle muscular dystrophy type 2J. Last evaluated: 2026-01-21. Review status: criteria provided, single submitter. Criteria: Invitae Variant Classification Sherloc (09022015). Collection method: clinical testing. Allele origin: germline.
Comment: This sequence change creates a premature translational stop signal (p.Arg18554*) in the TTN gene. While this is not anticipated to result in nonsense mediated decay, it is expected to create a truncated TTN protein. The frequency data for this variant in the population databases is considered unreliable, as metrics indicate poor data quality at this position in the gnomAD database. This premature translational stop signal has been observed in individual(s) with cardiomyopathy (PMID: 39844436). ClinVar contains an entry for this variant (Variation ID: 577369). This variant is located in the A band of TTN (PMID: 25589632). Truncating variants in this region are significantly overrepresented in patients affected with dilated cardiomyopathy (PMID: 25589632). Truncating variants in this region have also been reported in individuals affected with autosomal recessive centronuclear myopathy (PMID: 23975875). In summary, the currently available evidence indicates that the variant is pathogenic, but additional data are needed to prove that conclusively. Therefore, this variant has been classified as Likely Pathogenic.

Variantyx, Inc.
Classification: Likely pathogenic for Dilated cardiomyopathy 1G. Last evaluated: 2025-11-21. Review status: criteria provided, single submitter. Criteria: Variantyx Assertion Criteria 2022. Collection method: clinical testing. Allele origin: germline. Inheritance: Autosomal dominant inheritance. Affected: yes.
Comment: This is a nonsense variant in the TTN gene (OMIM: 188840). Pathogenic variants in this gene have been associated with autosomal dominant dilated cardiomyopathy 1G. This variant introduces a premature termination codon in exon 287 out of 363. It is located within the A band of the titin protein, where the majority of truncating pathogenic variants associated with dilated cardiomyopathy have been reported and is expected to result in loss of function, which is a known disease mechanism for TTN in this disorder (PMID: 27869827, 33226272) (PVS1). This variant has a 0.0013% maximum allele frequency in non-founder control populations (PM2). Based on the current evidence, this variant is classified as likely pathogenic for autosomal dominant dilated cardiomyopathy 1G.

Blueprint Genetics
Classification: Pathogenic for TTN-related disorders. Last evaluated: 2023-12-13. Review status: criteria provided, single submitter. Criteria: ACMG Guidelines, 2015. Collection method: clinical testing. Allele origin: germline. Affected: yes. Observed: 1 variant allele.

New York Genome Center
Classification: Likely pathogenic for Hypertrophic cardiomyopathy 9; Dilated cardiomyopathy 1G. Last evaluated: 2022-08-03. Review status: criteria provided, single submitter. Criteria: NYGC Assertion Criteria 2020. Collection method: clinical testing. Allele origin: germline. Affected: yes. Observed: 1 heterozygote.
Comment: The c.55660C>T p.(Arg18554Ter) variant in the TTN gene has previously been deposited in ClinVar [ClinVar ID: 577369] as Likely Pathogenic and to our current knowledge has not been reported in affected individuals in the literature. The c.55660C>T variant is observed in 2 alleles (~0.0006%minor allele frequency with 0 homozygotes) in population databases (gnomAD v2.1.1 and v3.1.2, TOPMed Freeze 8), suggesting it is not a common benign variant in the populations represented in those databases. The c.55660C>T variant in TTN is located in exon 287 of this 363-exon gene, predicted to incorporate a premature termination codon (p.(Arg18554Ter), and is expected to result in loss-of-function either through protein truncation or nonsense-mediated mRNA decay. The p.(Arg18554Ter) residue is within the A-band of TTN, where most variants associated with dilated cardiomyopathy are located [PMID:26777568, 27869827,28045975]. Individuals with pathogenic truncating variants in TTN also have a high prevalence of atrial and ventricular arrhythmias [PMID:32964742; 30333491]. Based on available evidence, this c.55660C>T p.(Arg18554Ter) variant identified in the TTN gene is classified as Likely Pathogenic.

AiLife Diagnostics
Classification: Likely pathogenic. Last evaluated: 2022-01-01. Review status: criteria provided, single submitter. Criteria: ACMG Guidelines, 2015. Collection method: clinical testing. Allele origin: germline. Affected: yes. Observed: 1 variant allele.

Fulgent Genetics
Classification: Likely pathogenic for Tibial muscular dystrophy; Myopathy, myofibrillar, 9, with early respiratory failure; Dilated cardiomyopathy 1G; Autosomal recessive limb-girdle muscular dystrophy type 2J; Early-onset myopathy with fatal cardiomyopathy; Hypertrophic cardiomyopathy 9. Last evaluated: 2021-10-10. Review status: criteria provided, single submitter. Criteria: ACMG Guidelines, 2015. Collection method: clinical testing. Allele origin: unknown.

Cardiogenetics and Myogenetics Molecular and Cellular Functional Unit, Aphp Sorbonne University-Hopital Pitie Salpetriere
Classification: Likely pathogenic for Dilated cardiomyopathy 1G. Last evaluated: 2024-01-06. Review status: no assertion criteria provided. Collection method: clinical testing. Allele origin: germline. Affected: yes. Not counted in ClinVar's aggregate classification.

Literature cited by the submitters: PubMed 22335739 (cited by Ambry Genetics); PubMed 25589632 (cited by Ambry Genetics and Labcorp Genetics (formerly Invitae), Labcorp); PubMed 27869827 (cited by Ambry Genetics and Variantyx, Inc.); PubMed 32964742 (cited by Women's Health and Genetics/Laboratory Corporation of America, LabCorp); PubMed 32153140 (cited by Women's Health and Genetics/Laboratory Corporation of America, LabCorp); PubMed 39844436 (cited by Women's Health and Genetics/Laboratory Corporation of America, LabCorp and Labcorp Genetics (formerly Invitae), Labcorp); PubMed 23975875 (cited by Labcorp Genetics (formerly Invitae), Labcorp); PubMed 33226272 (cited by Variantyx, Inc.).